The following is an entry in ClinVar:

NM_001282531.3(ADNP):c.2168A>G (p.Glu723Gly)

Gene: ADNP (activity dependent neuroprotector homeobox; minus strand). Cytogenetic location: 20q13.13.
Variant type: single nucleotide variant.
Coding change: c.2168A>G on transcript NM_001282531.3 (MANE Select); coding-DNA position 2168, A replaced by G.
Protein change: p.Glu723Gly; replaces glutamic acid 723 with glycine.
Molecular consequence: missense variant.
Genome position (GRCh38, 1-based): chr20:50,892,546, T>C on the plus strand (A>G on the coding strand, the complement: ADNP is on the minus strand). VCF-style: chr20-50892546-T-C. GRCh37 (hg19) VCF-style: chr20-49509083-T-C.
Other names: c.2168A>G, p.Glu723Gly (NM_001282532.2, NM_001347511.2, NM_015339.5 and 1 more transcripts); c.2384A>G, p.Glu795Gly (NM_001439000.1); c.1484A>G, p.Glu495Gly (NM_001439001.1); short protein forms E495G, E723G, E795G.
Identifiers: ClinVar variation 4887136 (VCV004887136.1).

ClinVar aggregate classification (germline): Uncertain significance (1 of 4 stars; one submission).

gnomAD v4.1: 10 of 1,614,206 alleles (0.00062%); highest among the groups gnomAD compares: African/African-American, 0.0013%; no homozygotes.

Submission:

Women's Health and Genetics/Laboratory Corporation of America, LabCorp
Classification: Uncertain significance. Last evaluated: 2026-06-18. Review status: criteria provided, single submitter. Criteria: LabCorp Variant Classification Summary - May 2015. Collection method: clinical testing. Allele origin: germline.
Comment: Variant summary: ADNP c.2168A>G (p.Glu723Gly) results in a non-conservative amino acid change in the encoded protein sequence. Algorithms developed to predict the effect of missense changes on protein structure and function are either unavailable or do not agree on the potential impact of this missense change. The variant allele was found at a frequency of 2e-05 in 251376 control chromosomes. The available data on variant occurrences in the general population are insufficient to allow any conclusion about variant significance. To our knowledge, no occurrence of c.2168A>G in individuals affected with ADNP-related conditions and no experimental evidence demonstrating its impact on protein function have been reported. No submitters have cited clinical-significance assessments for this variant to ClinVar. Based on the evidence outlined above, the variant was classified as uncertain significance.